The following is an entry in ClinVar:

ClinVar aggregate classification (germline): Likely benign. Review status: criteria provided, multiple submitters, no conflicts (2 of 4 stars). 2 submissions from 2 submitters: Likely benign (2). Last evaluated 2024-09-01.

Allele frequency attached by ClinVar (database versions not stated): gnomAD 0.00001; gnomAD exomes 0.00002; TOPMed 0.00002; ExAC 0.00003.

Submissions (2):

CeGaT Center for Human Genetics Tuebingen
Classification: Likely benign. Last evaluated: 2024-09-01. Review status: criteria provided, single submitter. Criteria: CeGaT Center For Human Genetics Tuebingen Variant Classification Criteria Version 2. Collection method: clinical testing. Allele origin: germline. Affected: yes. Observed: 1 variant allele.
Comment: LAMB1: BP4, BP7

Labcorp Genetics (formerly Invitae), Labcorp
Classification: Likely benign. Last evaluated: 2024-05-04. Review status: criteria provided, single submitter. Criteria: Invitae Variant Classification Sherloc (09022015). Collection method: clinical testing. Allele origin: germline.

NM_002291.3(LAMB1):c.2694C>T (p.Cys898=)

Gene: LAMB1 (laminin subunit beta 1; minus strand). Cytogenetic location: 7q31.1.
Variant type: single nucleotide variant.
Coding change: c.2694C>T on transcript NM_002291.3 (MANE Select); coding-DNA position 2694, C replaced by T.
Protein change: p.Cys898=; no amino-acid change (cysteine 898 retained).
Molecular consequence: synonymous variant.
Genome position (GRCh38, 1-based): chr7:107,955,627, G>A on the plus strand (C>T on the coding strand, the complement: LAMB1 is on the minus strand). VCF-style: chr7-107955627-G-A. GRCh37 (hg19) VCF-style: chr7-107596072-G-A.
Identifiers: ClinVar variation 1664324 (VCV001664324.22), dbSNP rs758593342, ClinGen allele CA4435546.
Genomic context (GRCh38, chr7:107,955,627, plus strand): 5'-AGGGCAAGGGCGGCAGTGATCTCCTGACCCAATGATGGGGTCGCCATAGTAACCAGCCAA[G>A]CACCTGCATCAGTCACAGAAGAGAACAGGCCATGACCCCACAGTTCTAAGAAACCTGTTC-3'
Protein context (NP_002282.2, residues 888-908): DYTMGHNCER[Cys898=]LAGYYGDPII